The following is an entry in ClinVar:

NM_018136.5(ASPM):c.3516G>A (p.Thr1172=)

Gene: ASPM (assembly factor for spindle microtubules; minus strand). Cytogenetic location: 1q31.3.
Variant type: single nucleotide variant.
Coding change: c.3516G>A on transcript NM_018136.5 (MANE Select); coding-DNA position 3516, G replaced by A.
Protein change: p.Thr1172=; no amino-acid change (threonine 1172 retained).
Molecular consequence: synonymous variant.
Genome position (GRCh38, 1-based): chr1:197,122,470, C>T on the plus strand (G>A on the coding strand, the complement: ASPM is on the minus strand). VCF-style: chr1-197122470-C-T. GRCh37 (hg19) VCF-style: chr1-197091600-C-T.
Other names: c.3516G>A, p.Thr1172= (NM_001206846.2).
Identifiers: ClinVar variation 514737 (VCV000514737.9), dbSNP rs369377108, ClinGen allele CA1310151.
Genomic context (GRCh38, chr1:197,122,470, plus strand): 5'-CATATCCAGAGAACTGTCATCAGATTCAGATGATGAATTTAATACCACTGAACCAGTTTG[C>T]GTACATTCCACAGTTTGAGTAGTACGCTGACATATAGCGTCAAATGGCACATAGCAAGGA-3'
Protein context (NP_060606.3, residues 1162-1182): CQRTTQTVEC[Thr1172=]QTGSVVLNSS

ClinVar aggregate classification (germline): Likely benign. Review status: criteria provided, multiple submitters, no conflicts (2 of 4 stars). 3 submissions from 3 submitters: Likely benign (3). Last evaluated 2025-10-01.

Allele frequency attached by ClinVar (database versions not stated): gnomAD exomes 0.00001 and 0.00002; ExAC 0.00002; gnomAD 0.00006 and 0.00007; TOPMed 0.00006; ESP Exome Variant Server 0.00008; 1000 Genomes Project 30x 0.00016; 1000 Genomes Project 0.00020.
gnomAD v4.1: 28 of 1,613,738 alleles (0.0017%); highest among the groups gnomAD compares: African/African-American, 0.016%; no homozygotes.

Submissions (3):

CeGaT Center for Human Genetics Tuebingen
Classification: Likely benign. Last evaluated: 2025-10-01. Review status: criteria provided, single submitter. Criteria: CeGaT Center For Human Genetics Tuebingen Variant Classification Criteria Version 2. Collection method: clinical testing. Allele origin: germline. Affected: yes. Observed: 1 variant allele.
Comment: ASPM: BP4, BP7

Labcorp Genetics (formerly Invitae), Labcorp
Classification: Likely benign. Last evaluated: 2025-08-18. Review status: criteria provided, single submitter. Criteria: Invitae Variant Classification Sherloc (09022015). Collection method: clinical testing. Allele origin: germline.

GeneDx
Classification: Likely benign. Last evaluated: 2018-01-12. Review status: criteria provided, single submitter. Criteria: GeneDx Variant Classification (06012015). Collection method: clinical testing. Allele origin: germline. Affected: yes.
Comment: This variant is considered likely benign or benign based on one or more of the following criteria: it is a conservative change, it occurs at a poorly conserved position in the protein, it is predicted to be benign by multiple in silico algorithms, and/or has population frequency not consistent with disease.